The following is an entry in ClinVar:

ClinVar aggregate classification (germline): Uncertain significance. Review status: criteria provided, multiple submitters, no conflicts (2 of 4 stars). 6 submissions from 6 submitters: Uncertain significance (6). Last evaluated 2025-12-24.

Conditions:
Aortic aneurysm, familial thoracic 7 (AAT7). Also called: AORTIC DISSECTION, FAMILIAL, WITH OR WITHOUT AORTIC ANEURYSM. Identifiers: MedGen C3151077, MONDO:0013418, OMIM 613780.
Megacystis-microcolon-intestinal hypoperistalsis syndrome 1. Identifiers: MedGen C5542316, MONDO:0100354, OMIM 249210.
Familial thoracic aortic aneurysm and aortic dissection (TAAD). Also called: Thoracic aortic aneurysms and dissections. Identifiers: Orphanet 91387, MedGen C4707243, MONDO:0019625.

Allele frequency attached by ClinVar (database versions not stated): TOPMed 0.00004; ESP Exome Variant Server 0.00008; gnomAD 0.00003 and 0.00002; gnomAD exomes 0.00002 and 0.00003; ExAC 0.00009.
gnomAD v4.1: 41 of 1,603,866 alleles (0.0026%); highest among the groups gnomAD compares: South Asian, 0.017%; no homozygotes.

Submissions (6):

Labcorp Genetics (formerly Invitae), Labcorp
Classification: Uncertain significance for Aortic aneurysm, familial thoracic 7. Last evaluated: 2025-12-24. Review status: criteria provided, single submitter. Criteria: Invitae Variant Classification Sherloc (09022015). Collection method: clinical testing. Allele origin: germline.
Comment: This sequence change replaces arginine, which is basic and polar, with glutamine, which is neutral and polar, at codon 1204 of the MYLK protein (p.Arg1204Gln). This variant is present in population databases (rs142421063, gnomAD 0.01%). This missense change has been observed in individual(s) with MYLK-related conditions (PMID: 28254189). ClinVar contains an entry for this variant (Variation ID: 263940). Invitae Evidence Modeling of protein sequence and biophysical properties (such as structural, functional, and spatial information, amino acid conservation, physicochemical variation, residue mobility, and thermodynamic stability) indicates that this missense variant is not expected to disrupt MYLK protein function with a negative predictive value of 80%. In summary, the available evidence is currently insufficient to determine the role of this variant in disease. Therefore, it has been classified as a Variant of Uncertain Significance.

GeneDx
Classification: Uncertain significance. Last evaluated: 2024-07-12. Review status: criteria provided, single submitter. Criteria: GeneDx Variant Classification Process June 2021. Collection method: clinical testing. Allele origin: germline. Affected: yes.
Comment: In silico analysis indicates that this missense variant does not alter protein structure/function; This variant is associated with the following publications: (PMID: 28254189)

Ambry Genetics
Classification: Uncertain significance for Familial thoracic aortic aneurysm and aortic dissection. Last evaluated: 2023-12-15. Review status: criteria provided, single submitter. Criteria: Ambry Variant Classification Scheme 2023. Collection method: clinical testing. Allele origin: germline.
Comment: The p.R1204Q variant (also known as c.3611G>A), located in coding exon 17 of the MYLK gene, results from a G to A substitution at nucleotide position 3611. The arginine at codon 1204 is replaced by glutamine, an amino acid with highly similar properties. This variant was identified in one individual with thoracic aortic aneurysm who also was heterozygous for an HCN4 variant (Arbustini E et al. J. Am. Coll. Cardiol., 2017 03;69:1210-1211). This amino acid position is highly conserved in available vertebrate species. In addition, this alteration is predicted to be tolerated by in silico analysis. Based on available evidence to date, the clinical significance of this alteration remains unclear.

Mayo Clinic Laboratories, Mayo Clinic
Classification: Uncertain significance. Last evaluated: 2023-11-03. Review status: criteria provided, single submitter. Criteria: ACMG Guidelines, 2015. Collection method: clinical testing. Allele origin: germline. Observed: 1 variant allele.
Comment: BP4

Fulgent Genetics
Classification: Uncertain significance for Megacystis-microcolon-intestinal hypoperistalsis syndrome 1; Aortic aneurysm, familial thoracic 7. Last evaluated: 2021-09-07. Review status: criteria provided, single submitter. Criteria: ACMG Guidelines, 2015. Collection method: clinical testing. Allele origin: unknown.

Illumina Laboratory Services, Illumina
Classification: Uncertain significance for Aortic aneurysm, familial thoracic 7. Last evaluated: 2018-01-12. Review status: criteria provided, single submitter. Criteria: ICSL Variant Classification Criteria 13 December 2019. Collection method: clinical testing. Allele origin: germline.

Literature cited by the submitters: PubMed 28254189 (cited by 3 submitters); PubMed 28139901 (cited by Mayo Clinic Laboratories, Mayo Clinic); PubMed 29907982 (cited by Mayo Clinic Laboratories, Mayo Clinic).

NM_053025.4(MYLK):c.3611G>A (p.Arg1204Gln)

Gene: MYLK (myosin light chain kinase; minus strand). Cytogenetic location: 3q21.1.
Variant type: single nucleotide variant.
Coding change: c.3611G>A on transcript NM_053025.4 (MANE Select); coding-DNA position 3611, G replaced by A.
Protein change: p.Arg1204Gln; replaces arginine 1204 with glutamine.
Molecular consequence: missense variant.
Genome position (GRCh38, 1-based): chr3:123,682,265, C>T on the plus strand (G>A on the coding strand, the complement: MYLK is on the minus strand). VCF-style: chr3-123682265-C-T. GRCh37 (hg19) VCF-style: chr3-123401112-C-T.
Other names: p.Arg1204Gln; c.3083G>A, p.Arg1028Gln (NM_001321309.2); c.3404G>A, p.Arg1135Gln (NM_053026.4, NM_053028.4); c.3611G>A, p.Arg1204Gln (NM_053027.4); short protein forms R1204Q, R1135Q, R1028Q.
Identifiers: ClinVar variation 263940 (VCV000263940.20), dbSNP rs142421063, ClinGen allele CA069883.